The following is an entry in ClinVar:

ClinVar aggregate classification (germline): Conflicting classifications of pathogenicity. Review status: criteria provided, conflicting classifications (1 of 4 stars). 2 submissions from 2 submitters: Uncertain significance (1); Likely benign (1). Last evaluated 2025-07-31.

Conditions:
Familial thoracic aortic aneurysm and aortic dissection (TAAD). Also called: Thoracic aortic aneurysms and dissections. Identifiers: Orphanet 91387, MedGen C4707243, MONDO:0019625.
Congenital contractural arachnodactyly (CCA). Also called: BEALS SYNDROME; Beals-Hecht syndrome; Arthrogryposis, distal, type 9. Identifiers: Orphanet 115, MedGen C0220668, MONDO:0007363, OMIM 121050.

Allele frequency attached by ClinVar (database versions not stated): TOPMed below 0.00001; ExAC 0.00001; gnomAD exomes 0.00001.
gnomAD v4.1: 26 of 1,613,956 alleles (0.0016%); highest among the groups gnomAD compares: Non-Finnish European, 0.0021%; no homozygotes.

Submissions (2):

Labcorp Genetics (formerly Invitae), Labcorp
Classification: Likely benign for Congenital contractural arachnodactyly. Last evaluated: 2025-07-31. Review status: criteria provided, single submitter. Criteria: Invitae Variant Classification Sherloc (09022015). Collection method: clinical testing. Allele origin: germline.

Ambry Genetics
Classification: Uncertain significance for Familial thoracic aortic aneurysm and aortic dissection. Last evaluated: 2024-06-19. Review status: criteria provided, single submitter. Criteria: Ambry Variant Classification Scheme 2023. Collection method: clinical testing. Allele origin: germline.
Comment: The p.Q2392K variant (also known as c.7174C>A), located in coding exon 57 of the FBN2 gene, results from a C to A substitution at nucleotide position 7174. The glutamine at codon 2392 is replaced by lysine, an amino acid with similar properties. This amino acid position is well conserved in available vertebrate species. In addition, the in silico prediction for this alteration is inconclusive. Based on the available evidence, the clinical significance of this variant remains unclear.

NM_001999.4(FBN2):c.7174C>A (p.Gln2392Lys)

Gene: FBN2 (fibrillin 2; minus strand). Cytogenetic location: 5q23.3.
Variant type: single nucleotide variant.
Coding change: c.7174C>A on transcript NM_001999.4 (MANE Select); coding-DNA position 7174, C replaced by A.
Protein change: p.Gln2392Lys; replaces glutamine 2392 with lysine.
Molecular consequence: missense variant.
Genome position (GRCh38, 1-based): chr5:128,278,806, G>T on the plus strand (C>A on the coding strand, the complement: FBN2 is on the minus strand). VCF-style: chr5-128278806-G-T. GRCh37 (hg19) VCF-style: chr5-127614498-G-T.
Other names: short protein forms Q2392K.
Identifiers: ClinVar variation 950168 (VCV000950168.11), dbSNP rs762730300, ClinGen allele CA3394186.
Genomic context (GRCh38, chr5:128,278,806, plus strand): 5'-AGCAGCATTCTGACTTAGTGACGAGATTGCGACTACTGGATGCCATTTGACATATTGTCT[G>T]CAGTACCTCTGCAAAGCAGAGACCCTGTCGATTGTCTGAAATGGCAAAGTAGAAAGAGTT-3'
Protein context (NP_001990.2, residues 2382-2402): RQGLCFAEVL[Gln2392Lys]TICQMASSSR